The following is an entry in ClinVar:

NM_001374385.1(ATP8B1):c.*1723G>A

Genes: ATP8B1 (ATPase phospholipid transporting 8B1; minus strand), ATP8B1-AS1 (ATP8B1 antisense RNA 1; plus strand). Cytogenetic location: 18q21.31.
Variant type: single nucleotide variant.
Coding change: c.*1723G>A on transcript NM_001374385.1 (MANE Select); 1723 bases downstream of the stop codon, G replaced by A.
Molecular consequence: 3 prime UTR variant.
Genome position (GRCh38, 1-based): chr18:57,646,765, C>T on the plus strand (G>A on the coding strand, the complement: ATP8B1 is on the minus strand). VCF-style: chr18-57646765-C-T. GRCh37 (hg19) VCF-style: chr18-55313997-C-T.
Other names: c.*1723G>A (NM_001374386.1, NM_005603.6).
Identifiers: ClinVar variation 327441 (VCV000327441.6), dbSNP rs11543269, ClinGen allele CA10641868.

ClinVar aggregate classification (germline): Benign. Review status: criteria provided, multiple submitters, no conflicts (2 of 4 stars). 2 submissions from 2 submitters: Benign (2). Last evaluated 2018-01-13.

Conditions:
Progressive familial intrahepatic cholestasis type 1. Also called: BYLER DISEASE; Byler's disease; Severe ATP8B1 Deficiency (Progressive Familial Intrahepatic Cholestasis Type 1 [PFIC1]). Identifiers: Orphanet 79306, MedGen C4551898, MONDO:0008892, OMIM 211600.

Allele frequency attached by ClinVar (database versions not stated): 1000 Genomes Project 30x 0.05590; 1000 Genomes Project 0.05771; TOPMed 0.08573; gnomAD 0.08755 and 0.09080; gnomAD exomes 0.11502.
gnomAD v4.1: 13,548 of 152,636 alleles (8.9%); highest among the groups gnomAD compares: Non-Finnish European, 11%; 701 homozygotes.

Submissions (2):

Illumina Laboratory Services, Illumina
Classification: Benign for Progressive familial intrahepatic cholestasis type 1. Last evaluated: 2018-01-13. Review status: criteria provided, single submitter. Criteria: ICSL Variant Classification Criteria 13 December 2019. Collection method: clinical testing. Allele origin: germline.
Comment: This variant was observed in the ICSL laboratory as part of a predisposition screen in an ostensibly healthy population. It had not been previously curated by ICSL or reported in the Human Gene Mutation Database (HGMD: prior to June 1st, 2018), and was therefore a candidate for classification through an automated scoring system. Utilizing variant allele frequency, disease prevalence and penetrance estimates, and inheritance mode, an automated score was calculated to assess if this variant is too frequent to cause the disease. Based on the score and internal cut-off values, a variant classified as benign is not then subjected to further curation. The score for this variant resulted in a classification of benign for this disease.

Breakthrough Genomics
Classification: Benign. Review status: criteria provided, single submitter. Criteria: ACMG Guidelines, 2015. Collection method: not provided. Allele origin: germline. Inheritance: Autosomal recessive inheritance. Affected: yes.